The following is an entry in ClinVar:

NM_000548.5(TSC2):c.5160+3G>T

Gene: TSC2 (TSC complex subunit 2; plus strand). Cytogenetic location: 16p13.3.
Variant type: single nucleotide variant.
Coding change: c.5160+3G>T on transcript NM_000548.5 (MANE Select); 3 bases into the intron after coding-DNA position 5160, G replaced by T.
Molecular consequence: intron variant.
Genome position (GRCh38, 1-based): chr16:2,088,142, G>T. VCF-style: chr16-2088142-G-T. GRCh37 (hg19) VCF-style: chr16-2138143-G-T.
Other names: c.5091+3G>T (NM_001114382.3); c.5031+3G>T (NM_021055.3, NM_001370405.1); c.4962+3G>T (NM_001363528.2); c.5028+3G>T (NM_001370404.1); c.4959+3G>T (NM_001077183.3); c.4851+3G>T (NM_001318827.2); c.4428+3G>T (NM_001318831.2); c.4815+3G>T (NM_001318829.2); and 1 more.
Identifiers: ClinVar variation 1476749 (VCV001476749.6), dbSNP rs45517401, ClinGen allele CA2573151973.

ClinVar aggregate classification (germline): Pathogenic (1 of 4 stars; one submission).

Conditions:
Tuberous sclerosis 2 (TSC2). Identifiers: Orphanet 805, MedGen C1860707, MONDO:0013199, OMIM 613254.

Submission:

Labcorp Genetics (formerly Invitae), Labcorp
Classification: Pathogenic for Tuberous sclerosis 2. Last evaluated: 2022-02-17. Review status: criteria provided, single submitter. Criteria: Invitae Variant Classification Sherloc (09022015). Collection method: clinical testing. Allele origin: germline.
Comment: This sequence change falls in intron 40 of the TSC2 gene. It does not directly change the encoded amino acid sequence of the TSC2 protein. It affects a nucleotide within the consensus splice site. This variant is not present in population databases (gnomAD no frequency). This variant has been observed in individual(s) with clinical features of TSC2-related conditions (Invitae). In at least one individual the variant was observed to be de novo. Variants that disrupt the consensus splice site are a relatively common cause of aberrant splicing (PMID: 17576681, 9536098). Algorithms developed to predict the effect of sequence changes on RNA splicing suggest that this variant may disrupt the consensus splice site. For these reasons, this variant has been classified as Pathogenic.

Literature cited by the submitters: PubMed 17576681; PubMed 9536098.